The following is an entry in ClinVar:

NM_019066.5(MAGEL2):c.2095C>T (p.Pro699Ser)

Gene: MAGEL2 (MAGE family member L2; minus strand). Cytogenetic location: 15q11.2.
Variant type: single nucleotide variant.
Coding change: c.2095C>T on transcript NM_019066.5 (MANE Select); coding-DNA position 2095, C replaced by T.
Protein change: p.Pro699Ser; replaces proline 699 with serine.
Molecular consequence: missense variant.
Genome position (GRCh38, 1-based): chr15:23,645,648, G>A on the plus strand (C>T on the coding strand, the complement: MAGEL2 is on the minus strand). VCF-style: chr15-23645648-G-A. GRCh37 (hg19) VCF-style: chr15-23890795-G-A.
Other names: short protein forms P699S.
Identifiers: ClinVar variation 2104406 (VCV002104406.2), dbSNP rs1440872169, ClinGen allele CA391332689.

ClinVar aggregate classification (germline): Uncertain significance (1 of 4 stars; one submission).

Submission:

Labcorp Genetics (formerly Invitae), Labcorp
Classification: Uncertain significance. Last evaluated: 2022-06-13. Review status: criteria provided, single submitter. Criteria: Invitae Variant Classification Sherloc (09022015). Collection method: clinical testing. Allele origin: germline.
Comment: In summary, the available evidence is currently insufficient to determine the role of this variant in disease. Therefore, it has been classified as a Variant of Uncertain Significance. Experimental studies and prediction algorithms are not available or were not evaluated, and the functional significance of this variant is currently unknown. This variant has not been reported in the literature in individuals affected with MAGEL2-related conditions. This variant is not present in population databases (gnomAD no frequency). This sequence change replaces proline, which is neutral and non-polar, with serine, which is neutral and polar, at codon 699 of the MAGEL2 protein (p.Pro699Ser).